The following is an entry in ClinVar:

NM_017617.5(NOTCH1):c.5183C>T (p.Pro1728Leu)

Gene: NOTCH1 (notch receptor 1; minus strand). Cytogenetic location: 9q34.3.
Variant type: single nucleotide variant.
Coding change: c.5183C>T on transcript NM_017617.5 (MANE Select); coding-DNA position 5183, C replaced by T.
Protein change: p.Pro1728Leu; replaces proline 1728 with leucine.
Molecular consequence: missense variant.
Genome position (GRCh38, 1-based): chr9:136,502,473, G>A on the plus strand (C>T on the coding strand, the complement: NOTCH1 is on the minus strand). VCF-style: chr9-136502473-G-A. GRCh37 (hg19) VCF-style: chr9-139396925-G-A.
Other names: short protein forms P1728L.
Identifiers: ClinVar variation 1116425 (VCV001116425.16), dbSNP rs766358616, ClinGen allele CA5340371.

ClinVar aggregate classification (germline): Conflicting classifications of pathogenicity. Review status: criteria provided, conflicting classifications (1 of 4 stars). 4 submissions from 4 submitters: Uncertain significance (2); Likely benign (2). Last evaluated 2025-10-29.

Conditions:
Familial thoracic aortic aneurysm and aortic dissection (TAAD). Also called: Thoracic aortic aneurysms and dissections. Identifiers: Orphanet 91387, MedGen C4707243, MONDO:0019625.
Adams-Oliver syndrome 5 (AOS5). Identifiers: Orphanet 974, MedGen C4014970, MONDO:0014459, OMIM 616028.

Allele frequency attached by ClinVar (database versions not stated): gnomAD 0.00005 and 0.00006; TOPMed 0.00006; gnomAD exomes 0.00007 and 0.00015; ExAC 0.00018.
gnomAD v4.1: 100 of 1,574,556 alleles (0.0064%); highest among the groups gnomAD compares: South Asian, 0.095%; 2 homozygotes.

Submissions (4):

Labcorp Genetics (formerly Invitae), Labcorp
Classification: Likely benign for Adams-Oliver syndrome 5. Last evaluated: 2025-10-29. Review status: criteria provided, single submitter. Criteria: Invitae Variant Classification Sherloc (09022015). Collection method: clinical testing. Allele origin: germline.

Ambry Genetics
Classification: Uncertain significance for Familial thoracic aortic aneurysm and aortic dissection. Last evaluated: 2025-05-18. Review status: criteria provided, single submitter. Criteria: Ambry Variant Classification Scheme 2023. Collection method: clinical testing. Allele origin: germline.

Blueprint Genetics
Classification: Likely benign. Last evaluated: 2023-12-18. Review status: criteria provided, single submitter. Criteria: ACMG Guidelines, 2015. Collection method: clinical testing. Allele origin: germline.

GeneDx
Classification: Uncertain significance. Last evaluated: 2019-06-07. Review status: criteria provided, single submitter. Criteria: GeneDx Variant Classification Process June 2021. Collection method: clinical testing. Allele origin: germline. Affected: yes.
Comment: Has not been previously published as pathogenic or benign to our knowledge; In silico analysis, which includes protein predictors and evolutionary conservation, supports a deleterious effect